The following is an entry in ClinVar:

ClinVar aggregate classification (germline): Uncertain significance (1 of 4 stars; one submission).

Conditions:
Cardiovascular phenotype. Identifiers: MedGen CN230736.

gnomAD v4.1: 1 of 1,614,192 alleles (0.000062%); highest among the groups gnomAD compares: South Asian, 0.0011%; no homozygotes.

Submission:

Ambry Genetics
Classification: Uncertain significance for Cardiovascular phenotype. Last evaluated: 2025-04-19. Review status: criteria provided, single submitter. Criteria: Ambry Variant Classification Scheme 2023. Collection method: clinical testing. Allele origin: germline.
Comment: The p.S459C variant (also known as c.1375A>T), located in coding exon 1 of the DOLK gene, results from an A to T substitution at nucleotide position 1375. The serine at codon 459 is replaced by cysteine, an amino acid with dissimilar properties. This amino acid position is conserved. In addition, the in silico prediction for this alteration is inconclusive. Based on the available evidence, the clinical significance of this variant remains unclear.

NM_014908.4(DOLK):c.1375A>T (p.Ser459Cys)

Gene: DOLK (dolichol kinase; minus strand). Cytogenetic location: 9q34.11.
Variant type: single nucleotide variant.
Coding change: c.1375A>T on transcript NM_014908.4 (MANE Select); coding-DNA position 1375, A replaced by T.
Protein change: p.Ser459Cys; replaces serine 459 with cysteine.
Molecular consequence: missense variant.
Genome position (GRCh38, 1-based): chr9:128,945,929, T>A on the plus strand (A>T on the coding strand, the complement: DOLK is on the minus strand). VCF-style: chr9-128945929-T-A. GRCh37 (hg19) VCF-style: chr9-131708208-T-A.
Other names: short protein forms S459C.
Identifiers: ClinVar variation 4014377 (VCV004014377.1).